The following is an entry in ClinVar:

NM_000373.4(UMPS):c.1088G>A (p.Arg363Gln)

Gene: UMPS (uridine monophosphate synthetase; plus strand). Cytogenetic location: 3q21.2.
Variant type: single nucleotide variant.
Coding change: c.1088G>A on transcript NM_000373.4 (MANE Select); coding-DNA position 1088, G replaced by A.
Protein change: p.Arg363Gln; replaces arginine 363 with glutamine.
Molecular consequence: missense variant. On other transcripts: non-coding transcript variant (2).
Genome position (GRCh38, 1-based): chr3:124,740,129, G>A. VCF-style: chr3-124740129-G-A. GRCh37 (hg19) VCF-style: chr3-124458976-G-A.
Other names: short protein forms R363Q.
Identifiers: ClinVar variation 899940 (VCV000899940.5), dbSNP rs201332523, ClinGen allele CA2581796.

ClinVar aggregate classification (germline): Uncertain significance. Review status: criteria provided, multiple submitters, no conflicts (2 of 4 stars). 2 submissions from 2 submitters: Uncertain significance (2). Last evaluated 2020-07-30.

Conditions:
Oroticaciduria. Also called: Orotic aciduria. Identifiers: Orphanet 30, MedGen C0268128, HP:0003218.

Allele frequency attached by ClinVar (database versions not stated): gnomAD 0.00002; gnomAD exomes 0.00004; TOPMed 0.00007; ExAC 0.00011; 1000 Genomes Project 30x 0.00031.

Submissions (2):

GeneDx
Classification: Uncertain significance. Last evaluated: 2020-07-30. Review status: criteria provided, single submitter. Criteria: GeneDx Variant Classification Process June 2021. Collection method: clinical testing. Allele origin: germline. Affected: yes.
Comment: In silico analysis, which includes protein predictors and evolutionary conservation, supports a deleterious effect; Has not been previously published as pathogenic or benign to our knowledge

Illumina Laboratory Services, Illumina
Classification: Uncertain significance for Hereditary orotic aciduria. Last evaluated: 2018-01-13. Review status: criteria provided, single submitter. Criteria: ICSL Variant Classification Criteria 13 December 2019. Collection method: clinical testing. Allele origin: germline.